The following is an entry in ClinVar:

ClinVar aggregate classification (germline): Likely benign. Review status: criteria provided, multiple submitters, no conflicts (2 of 4 stars). 3 submissions from 3 submitters: Likely benign (3). Last evaluated 2025-09-16.

Conditions:
Tuberous sclerosis 2 (TSC2). Identifiers: Orphanet 805, MedGen C1860707, MONDO:0013199, OMIM 613254.

gnomAD v4.1: 2 of 1,551,200 alleles (0.00013%); highest among the groups gnomAD compares: Non-Finnish European, 0.00017%; no homozygotes.

Submissions (3):

Labcorp Genetics (formerly Invitae), Labcorp
Classification: Likely benign for Tuberous sclerosis 2. Last evaluated: 2025-09-16. Review status: criteria provided, single submitter. Criteria: Invitae Variant Classification Sherloc (09022015). Collection method: clinical testing. Allele origin: germline.

Myriad Genetics, Inc.
Classification: Likely benign for Tuberous sclerosis 2. Last evaluated: 2025-05-09. Review status: criteria provided, single submitter. Criteria: Myriad Autosomal Dominant, Autosomal Recessive and X-Linked Classification Criteria (2023). Collection method: clinical testing. Allele origin: unknown.
Comment: This variant is considered likely benign. This variant is intronic and is not expected to impact mRNA splicing.

Blueprint Genetics
Classification: Likely benign. Last evaluated: 2022-09-14. Review status: criteria provided, single submitter. Criteria: ACMG Guidelines, 2015. Collection method: clinical testing. Allele origin: germline.

NM_000548.5(TSC2):c.775-9G>A

Gene: TSC2 (TSC complex subunit 2; plus strand). Cytogenetic location: 16p13.3.
Variant type: single nucleotide variant.
Coding change: c.775-9G>A on transcript NM_000548.5 (MANE Select); 9 bases into the intron before coding-DNA position 775, G replaced by A.
Molecular consequence: intron variant.
Genome position (GRCh38, 1-based): chr16:2,057,096, G>A. VCF-style: chr16-2057096-G-A. GRCh37 (hg19) VCF-style: chr16-2107097-G-A.
Other names: c.775-9G>A (NM_001114382.3, NM_021055.3, NM_001370405.1 and 3 more transcripts); c.664-9G>A (NM_001318827.2); c.175-9G>A (NM_001318831.2); c.628-9G>A (NM_001318829.2); c.808-9G>A (NM_001318832.2).
Identifiers: ClinVar variation 760911 (VCV000760911.12), dbSNP rs1596280442, ClinGen allele CA915946224.
Genomic context (GRCh38, chr16:2,057,096, plus strand): 5'-CAGCAGCGGGACTGGGGCTGGGGGCAGGGCTTATGCCTGCCAGCCCCTGACACGCATTGT[G>A]TCTCGCAGCTGATGCGGAACCTCCTTGGCACCCACCTGGGCCACAGCGCCATCTACAACA-3'